The following is an entry in ClinVar:

NM_007294.4(BRCA1):c.3030T>G (p.Pro1010=)

Gene: BRCA1 (BRCA1 DNA repair associated; minus strand). Cytogenetic location: 17q21.31.
Variant type: single nucleotide variant.
Coding change: c.3030T>G on transcript NM_007294.4 (MANE Select); coding-DNA position 3030, T replaced by G.
Protein change: p.Pro1010=; no amino-acid change (proline 1010 retained).
Molecular consequence: synonymous variant. On other transcripts: intron variant (137).
Genome position (GRCh38, 1-based): chr17:43,092,501, A>C on the plus strand (T>G on the coding strand, the complement: BRCA1 is on the minus strand). VCF-style: chr17-43092501-A-C. GRCh37 (hg19) VCF-style: chr17-41244518-A-C.
Other names: c.2820T>G, p.Pro940= (NM_001407879.1, NM_001407881.1, NM_001407882.1 and 13 more transcripts); c.2817T>G, p.Pro939= (NM_001407571.1, NM_001407894.1, NM_001407895.1 and 9 more transcripts); c.3030T>G, p.Pro1010= (NM_001407581.1, NM_001407582.1, NM_001407583.1 and 30 more transcripts); c.3027T>G, p.Pro1009= (NM_001407587.1, NM_001407590.1, NM_001407591.1 and 22 more transcripts); c.2907T>G, p.Pro969= (NM_001407919.1, NM_001407937.1, NM_001407648.1 and 19 more transcripts); c.2766T>G, p.Pro922= (NM_001407920.1, NM_001407921.1, NM_001407922.1 and 9 more transcripts); c.2763T>G, p.Pro921= (NM_001407930.1, NM_001407931.1, NM_001407932.1 and 2 more transcripts); c.3021T>G, p.Pro1007= (NM_001407646.1, NM_001407647.1); and 41 more.
Identifiers: ClinVar variation 232882 (VCV000232882.16), dbSNP rs876660048, ClinGen allele CA10580583.
Genomic context (GRCh38, chr17:43,092,501, plus strand): 5'-GTTATTACGGCTAATTGTGCTCACTGTACTTGGAATGTTCTCATTTCCCATTTCTCTTTC[A>C]GGTGACATTGAATGTTCCTCAAAGTTTTCCTCTAGCAGATTTTTCTTACATTTAGTTTTA-3'
Protein context (NP_009225.1, residues 1000-1020): EENFEEHSMS[Pro1010=]EREMGNENIP

ClinVar aggregate classification (germline): Likely benign. Review status: reviewed by expert panel (3 of 4 stars). 3 submissions from 3 submitters: Likely benign (1). 2 of the submissions do not count toward it. Last evaluated 2017-06-29.

Conditions:
Hereditary breast ovarian cancer syndrome. Also called: Breast and ovarian cancer; Hereditary breast and ovarian cancer; Hereditary breast and ovarian cancer syndrome; Hereditary breast and/or ovarian cancer syndrome; BRCA1- and BRCA2-Associated Hereditary Breast and Ovarian Cancer; Hereditary breast and ovarian cancer syndrome (HBOC). Identifiers: Orphanet 145, MedGen C0677776, MeSH D061325, MONDO:0003582. Disease mechanism: loss of function.
Breast-ovarian cancer, familial, susceptibility to, 1 (BROVCA1). Also called: BRCA1 Hereditary Breast and Ovarian Cancer; OVARIAN CANCER, SUSCEPTIBILITY TO. Identifiers: Orphanet 145, MedGen C2676676, MONDO:0011450, OMIM 604370. Disease mechanism: loss of function.
Hereditary cancer-predisposing syndrome. Also called: Tumor predisposition; Hereditary Cancer Syndrome; Neoplastic Syndromes, Hereditary; Hereditary neoplastic syndrome. Identifiers: Orphanet 140162, MedGen C0027672, MeSH D009386, MONDO:0015356.

Allele frequency attached by ClinVar (database versions not stated): TOPMed below 0.00001.

Submissions (3):

Evidence-based Network for the Interpretation of Germline Mutant Alleles (ENIGMA)
Classification: Likely benign for Breast-ovarian cancer, familial, susceptibility to, 1. Last evaluated: 2017-06-29. Review status: reviewed by expert panel. Criteria: ENIGMA BRCA1/2 Classification Criteria (2017-06-29). Collection method: curation. Allele origin: germline.
Comment: Synonymous substitution variant, with low bioinformatic likelihood to result in a splicing aberration (Splicing prior probability 0.02).

Labcorp Genetics (formerly Invitae), Labcorp
Classification: Likely benign for Hereditary breast ovarian cancer syndrome. Last evaluated: 2021-04-07. Review status: criteria provided, single submitter. Criteria: Invitae Variant Classification Sherloc (09022015). Collection method: clinical testing. Allele origin: germline. Not counted in ClinVar's aggregate classification.

Ambry Genetics
Classification: Likely benign for Hereditary cancer-predisposing syndrome. Last evaluated: 2015-07-02. Review status: criteria provided, single submitter. Criteria: Ambry Variant Classification Scheme 2023. Collection method: clinical testing. Allele origin: germline. Not counted in ClinVar's aggregate classification.

Literature cited by the submitters: PubMed 25418591 (cited by Ambry Genetics).